The following is an entry in ClinVar:

ClinVar aggregate classification (germline): Pathogenic/Likely pathogenic. Review status: criteria provided, multiple submitters, no conflicts (2 of 4 stars). 7 submissions from 7 submitters: Pathogenic (4); Likely pathogenic (1). 2 of the submissions do not count toward it. Last evaluated 2024-03-08.

Conditions:
Abdominal obesity-metabolic syndrome 3 (AOMS3). Also called: CENTRAL OBESITY, TYPE 2 DIABETES, HYPERTENSION, AND EARLY-ONSET CORONARY ARTERY DISEASE. Identifiers: MedGen C4014361, MONDO:0014352, OMIM 615812.
AHDC1-related intellectual disability - obstructive sleep apnea - mild dysmorphism syndrome. Also called: Xia-Gibbs syndrome. Identifiers: Orphanet 412069, MedGen C4014419, MONDO:0014358, OMIM 615829.

Allele frequency attached by ClinVar (database versions not stated): ExAC 0.00001.

Submissions (7):

Laboratory of Human Genetics, Universidade de São Paulo
Classification: Pathogenic for AHDC1-related intellectual disability - obstructive sleep apnea - mild dysmorphism syndrome. Last evaluated: 2024-03-08. Review status: criteria provided, single submitter. Criteria: ACMG Guidelines, 2015. Collection method: clinical testing. Allele origin: de novo. Affected: yes. Observed: 1 heterozygote.
Comment: PVS1, PS2, PM2

Institute of Medical Genetics and Applied Genomics, University Hospital Tübingen
Classification: Pathogenic. Last evaluated: 2020-10-23. Review status: criteria provided, single submitter. Criteria: ACMG Guidelines, 2015. Collection method: clinical testing. Allele origin: germline. Inheritance: Autosomal dominant inheritance. Affected: yes.

Baylor Genetics
Classification: Pathogenic for AHDC1-related intellectual disability - obstructive sleep apnea - mild dysmorphism syndrome. Last evaluated: 2020-03-20. Review status: criteria provided, single submitter. Criteria: ACMG Guidelines, 2015. Collection method: clinical testing. Allele origin: unknown. Affected: yes.
Comment: This variant was determined to be pathogenic according to ACMG Guidelines, 2015 [PMID:25741868].

GeneDx
Classification: Pathogenic. Last evaluated: 2019-05-28. Review status: criteria provided, single submitter. Criteria: GeneDx Variant Classification (06012015). Collection method: clinical testing. Allele origin: germline. Affected: yes.
Comment: Observed de novo without confirmed parentage in multiple unrelated patients with features of Xia-Gibbs syndrome in published literature (Jiang et al., 2018); Nonsense variant predicted to result in protein truncation or nonsense mediated decay in a gene for which loss-of-function is a known mechanism of disease; Not observed in large population cohorts (Lek et al., 2016)

Equipe Genetique des Anomalies du Developpement, Université de Bourgogne
Classification: Likely pathogenic for Abdominal obesity-metabolic syndrome 3. Last evaluated: 2017-03-31. Review status: criteria provided, single submitter. Criteria: ACMG Guidelines, 2015. Collection method: clinical testing. Allele origin: de novo. Affected: yes.

GeneReviews
No classification provided. Condition: AHDC1-related intellectual disability - obstructive sleep apnea - mild dysmorphism syndrome. Review status: no classification provided. Collection method: literature only. Allele origin: germline. Not counted in ClinVar's aggregate classification.
Comment: Recurring pathogenic variant

Human Genome Sequencing Center Clinical Lab, Baylor College of Medicine
Classification: Pathogenic for AHDC1-related intellectual disability - obstructive sleep apnea - mild dysmorphism syndrome. Review status: no assertion criteria provided. Collection method: clinical testing. Allele origin: de novo. Affected: yes. Observed: 2 variant alleles. Not counted in ClinVar's aggregate classification.

Literature cited by the submitters: PubMed 29696776 (cited by GeneReviews); PubMed 33644933 (cited by GeneReviews).

NM_001371928.1(AHDC1):c.2773C>T (p.Arg925Ter)

Gene: AHDC1 (AT-hook DNA binding motif containing 1; minus strand). Cytogenetic location: 1p36.11.
Variant type: single nucleotide variant.
Coding change: c.2773C>T on transcript NM_001371928.1 (MANE Select); coding-DNA position 2773, C replaced by T.
Protein change: p.Arg925Ter; replaces arginine 925 with a stop codon.
Molecular consequence: nonsense.
Genome position (GRCh38, 1-based): chr1:27,549,343, G>A on the plus strand (C>T on the coding strand, the complement: AHDC1 is on the minus strand). VCF-style: chr1-27549343-G-A. GRCh37 (hg19) VCF-style: chr1-27875854-G-A.
Other names: p.Arg925Ter; c.2773C>T, p.Arg925Ter (NM_001029882.3); short protein forms R925*.
Identifiers: ClinVar variation 496678 (VCV000496678.10), dbSNP rs777736953, ClinGen allele CA715698.